The following is an entry in ClinVar:

ClinVar aggregate classification (germline): Uncertain significance (1 of 4 stars; one submission).

Conditions:
Inborn genetic diseases. Identifiers: MedGen C0950123, MeSH D030342.

gnomAD v4.1: 4 of 1,614,124 alleles (0.00025%); highest among the groups gnomAD compares: Non-Finnish European, 0.00025%; no homozygotes.

Submission:

Ambry Genetics
Classification: Uncertain significance for Inborn genetic diseases. Last evaluated: 2026-01-14. Review status: criteria provided, single submitter. Criteria: Ambry Variant Classification Scheme 2023. Collection method: clinical testing. Allele origin: germline.
Comment: The p.P769S variant (also known as c.2305C>T), located in coding exon 12 of the BMPR2 gene, results from a C to T substitution at nucleotide position 2305. The proline at codon 769 is replaced by serine, an amino acid with similar properties. This amino acid position is conserved. In addition, this alteration is predicted to be tolerated by in silico analysis. Based on the available evidence, the clinical significance of this variant remains unclear.

NM_001204.7(BMPR2):c.2305C>T (p.Pro769Ser)

Gene: BMPR2 (bone morphogenetic protein receptor type 2; plus strand). Cytogenetic location: 2q33.2.
Variant type: single nucleotide variant.
Coding change: c.2305C>T on transcript NM_001204.7 (MANE Select); coding-DNA position 2305, C replaced by T.
Protein change: p.Pro769Ser; replaces proline 769 with serine.
Molecular consequence: missense variant.
Genome position (GRCh38, 1-based): chr2:202,555,970, C>T. VCF-style: chr2-202555970-C-T. GRCh37 (hg19) VCF-style: chr2-203420693-C-T.
Other names: short protein forms P769S.
Identifiers: ClinVar variation 4835734 (VCV004835734.1).
Genomic context (GRCh38, chr2:202,555,970, plus strand): 5'-CAGAACCTTCCCAAGAGACCTACTAGTTTGCCTTTGAACACCAAAAATTCAACAAAAGAG[C>T]CCCGGCTAAAATTTGGCAGCAAGCACAAATCAAACTTGAAACAAGTCGAAACTGGAGTTG-3'
Protein context (NP_001195.2, residues 759-779): PLNTKNSTKE[Pro769Ser]RLKFGSKHKS